The following is an entry in ClinVar:

NM_015158.5(KANK1):c.3382C>G (p.Gln1128Glu)

Genes: KANK1 (KN motif and ankyrin repeat domains 1; plus strand), LOC126860554 (MED14-independent group 3 enhancer GRCh37_chr9:737889-739088; plus strand). Cytogenetic location: 9p24.3.
Variant type: single nucleotide variant.
Coding change: c.3382C>G on transcript NM_015158.5 (MANE Select); coding-DNA position 3382, C replaced by G.
Protein change: p.Gln1128Glu; replaces glutamine 1128 with glutamic acid.
Molecular consequence: missense variant. On other transcripts: non-coding transcript variant (1).
Genome position (GRCh38, 1-based): chr9:738,333, C>G. VCF-style: chr9-738333-C-G. GRCh37 (hg19) VCF-style: chr9-738333-C-G.
Other names: c.2908C>G, p.Gln970Glu (NM_001354333.2, NM_001354335.2, NM_001354337.2 and 2 more transcripts); c.3382C>G, p.Gln1128Glu (NM_001354334.2, NM_001256876.3, NM_001256877.3); c.2614C>G, p.Gln872Glu (NM_001354336.2); c.2854C>G, p.Gln952Glu (NM_001354338.2, NM_001354340.2, NM_001354344.2); c.2668C>G, p.Gln890Glu (NM_001354339.2, NM_001354342.2, NM_001354343.2); c.3382C>G (NM_015158.2); c.3142C>G, p.Gln1048Glu (NM_001354331.2); c.3328C>G, p.Gln1110Glu (NM_001354332.2); short protein forms Q1110E, Q1128E, Q952E, Q970E, Q1048E, Q872E, Q890E.
Identifiers: ClinVar variation 1441512 (VCV001441512.11), dbSNP rs201456672, ClinGen allele CA4960936.

ClinVar aggregate classification (germline): Conflicting classifications of pathogenicity. Review status: criteria provided, conflicting classifications (1 of 4 stars). 3 submissions from 3 submitters: Uncertain significance (2); Likely benign (1). Last evaluated 2024-11-08.

Conditions:
Cerebral palsy, spastic quadriplegic, 2 (CPSQ2). Identifiers: Orphanet 210141, MedGen C2752061, MONDO:0013033, OMIM 612900.

Allele frequency attached by ClinVar (database versions not stated): 1000 Genomes Project 30x 0.00016.
gnomAD v4.1: 115 of 1,614,096 alleles (0.0071%); highest among the groups gnomAD compares: Admixed American, 0.013%; no homozygotes.

Submissions (4):

Ambry Genetics
Classification: Likely benign. Last evaluated: 2024-11-08. Review status: criteria provided, single submitter. Criteria: Ambry Variant Classification Scheme 2023. Collection method: clinical testing. Allele origin: germline.

Labcorp Genetics (formerly Invitae), Labcorp
Classification: Uncertain significance. Last evaluated: 2022-09-01. Review status: criteria provided, single submitter. Criteria: Invitae Variant Classification Sherloc (09022015). Collection method: clinical testing. Allele origin: germline.
Comment: ClinVar contains an entry for this variant (Variation ID: 1441512). Algorithms developed to predict the effect of missense changes on protein structure and function are either unavailable or do not agree on the potential impact of this missense change (SIFT: "Tolerated"; PolyPhen-2: "Possibly Damaging"; Align-GVGD: "Class C0"). In summary, the available evidence is currently insufficient to determine the role of this variant in disease. Therefore, it has been classified as a Variant of Uncertain Significance. This variant has not been reported in the literature in individuals affected with KANK1-related conditions. This sequence change replaces glutamine, which is neutral and polar, with glutamic acid, which is acidic and polar, at codon 1128 of the KANK1 protein (p.Gln1128Glu). This variant is present in population databases (rs201456672, gnomAD 0.02%).

Fulgent Genetics
Classification: Uncertain significance for Cerebral palsy, spastic quadriplegic, 2. Last evaluated: 2021-09-22. Review status: criteria provided, single submitter. Criteria: ACMG Guidelines, 2015. Collection method: clinical testing. Allele origin: unknown.

Dr. Peter K. Rogan Lab, Western University
No classification provided (evidence only). Condition: Melanoma. Review status: no classification provided. Collection method: in vitro. Allele origin: not applicable. Functional consequence: retained intron. Not counted in ClinVar's aggregate classification.